The following is an entry in ClinVar:

NM_020754.4(ARHGAP31):c.793C>T (p.Arg265Cys)

Gene: ARHGAP31 (Rho GTPase activating protein 31; plus strand). Cytogenetic location: 3q13.33.
Variant type: single nucleotide variant.
Coding change: c.793C>T on transcript NM_020754.4 (MANE Select); coding-DNA position 793, C replaced by T.
Protein change: p.Arg265Cys; replaces arginine 265 with cysteine.
Molecular consequence: missense variant.
Genome position (GRCh38, 1-based): chr3:119,390,895, C>T. VCF-style: chr3-119390895-C-T. GRCh37 (hg19) VCF-style: chr3-119109742-C-T.
Other names: c.793C>T (NM_020754.3); short protein forms R265C.
Identifiers: ClinVar variation 2067543 (VCV002067543.6), dbSNP rs368670775, ClinGen allele CA2553698.

ClinVar aggregate classification (germline): Likely benign. Review status: criteria provided, multiple submitters, no conflicts (2 of 4 stars). 3 submissions from 3 submitters: Likely benign (3). Last evaluated 2026-02-19.

Conditions:
ARHGAP31-related disorder. Also called: ARHGAP31-related condition.
Inborn genetic diseases. Identifiers: MedGen C0950123, MeSH D030342.

Allele frequency attached by ClinVar (database versions not stated): gnomAD 0.00003; ESP Exome Variant Server 0.00008; ExAC 0.00017.
gnomAD v4.1: 109 of 1,613,996 alleles (0.0068%); highest among the groups gnomAD compares: South Asian, 0.074%; 2 homozygotes.

Submissions (3):

PreventionGenetics, part of Exact Sciences
Classification: Likely benign for ARHGAP31-related condition. Last evaluated: 2026-02-19. Review status: criteria provided, single submitter. Criteria: ACMG Guidelines, 2015. Collection method: clinical testing. Allele origin: germline.
Comment: This variant is classified as likely benign based on ACMG/AMP sequence variant interpretation guidelines (Richards et al. 2015 PMID: 25741868, with internal and published modifications).

Labcorp Genetics (formerly Invitae), Labcorp
Classification: Likely benign. Last evaluated: 2024-05-07. Review status: criteria provided, single submitter. Criteria: Invitae Variant Classification Sherloc (09022015). Collection method: clinical testing. Allele origin: germline.

Ambry Genetics
Classification: Likely benign for Inborn genetic diseases. Last evaluated: 2022-08-17. Review status: criteria provided, single submitter. Criteria: Ambry Variant Classification Scheme 2023. Collection method: clinical testing. Allele origin: germline.